The following is an entry in ClinVar:

NM_021005.4(NR2F2):c.486dup (p.Gln163fs)

Gene: NR2F2 (nuclear receptor subfamily 2 group F member 2; plus strand). Cytogenetic location: 15q26.2.
Variant type: Duplication.
Coding change: c.486dup on transcript NM_021005.4 (MANE Select); coding-DNA position 486, one base duplicated (G; older notation c.486dupG).
Protein change: p.Gln163fs; shifts the reading frame from glutamine 163.
Molecular consequence: frameshift variant.
Genome position (GRCh38, 1-based): chr15:96,334,119, G duplicated; the last of 3 consecutive G bases (chr15:96,334,117-96,334,119); duplicating any one gives the same sequence. VCF-style (leftmost placement, unchanged base first): chr15-96334116-C-CG. GRCh37 (hg19) VCF-style: chr15-96877345-C-CG.
Other names: c.87dup, p.Gln30fs (NM_001145155.2); c.27dup, p.Gln10fs (NM_001145156.1, NM_001145157.2); short protein forms Q10fs, Q163fs, Q30fs.
Identifiers: ClinVar variation 3898685 (VCV003898685.7).
Genomic context (GRCh38, chr15:96,334,116, plus strand): 5'-GTCTCCTTTCCTCCCCGCAGCGGTGCAGAGGGGCAGGATGCCGCCGACCCAGCCGACCCA[C>CG]GGGCAGTTCGCGCTGACCAACGGGGATCCCCTCAACTGCCACTCGTACCTGTCCGGATAT-3'

ClinVar aggregate classification (germline): Pathogenic (1 of 4 stars; one submission).

Submission:

CeGaT Center for Human Genetics Tuebingen
Classification: Pathogenic. Last evaluated: 2025-04-01. Review status: criteria provided, single submitter. Criteria: CeGaT Center For Human Genetics Tuebingen Variant Classification Criteria Version 2. Collection method: clinical testing. Allele origin: germline. Affected: yes. Observed: 1 variant allele.
Comment: NR2F2: PVS1, PM2